The following is an entry in ClinVar:

NM_152672.6(SLC51A):c.722G>A (p.Arg241His)

Gene: SLC51A (solute carrier family 51 member A; plus strand). Cytogenetic location: 3q29.
Variant type: single nucleotide variant.
Coding change: c.722G>A on transcript NM_152672.6 (MANE Select); coding-DNA position 722, G replaced by A.
Protein change: p.Arg241His; replaces arginine 241 with histidine.
Molecular consequence: missense variant.
Genome position (GRCh38, 1-based): chr3:196,230,003, G>A. VCF-style: chr3-196230003-G-A. GRCh37 (hg19) VCF-style: chr3-195956874-G-A.
Other names: short protein forms R241H.
Identifiers: ClinVar variation 3036462 (VCV003036462.2), dbSNP rs9849888, ClinGen allele CA2779197.
Genomic context (GRCh38, chr3:196,230,003, plus strand): 5'-TCAACACTTTCCTTGGCGTGTCCACACTGCTGGCTCTCTGGACCCTGGGCATCATTTCCC[G>A]TCAAGCCAGGCTACACCTGGGTGAGCAGAACATGGGAGCCAAATTTGCTCTGTTCCAGGT-3'
Protein context (NP_689885.4, residues 231-251): LALWTLGIIS[Arg241His]QARLHLGEQN

ClinVar aggregate classification (germline): Likely benign (0 of 4 stars; one submission).

Conditions:
SLC51A-related disorder. Also called: SLC51A-related condition.

Allele frequency attached by ClinVar (database versions not stated): gnomAD exomes 0.00008; ExAC 0.00029; gnomAD 0.00070; TOPMed 0.00071; ESP Exome Variant Server 0.00092; 1000 Genomes Project 30x 0.00109; 1000 Genomes Project 0.00120.

Submission:

PreventionGenetics, part of Exact Sciences
Classification: Likely benign for SLC51A-related condition. Last evaluated: 2022-02-14. Review status: no assertion criteria provided. Collection method: clinical testing. Allele origin: germline.
Comment: This variant is classified as likely benign based on ACMG/AMP sequence variant interpretation guidelines (Richards et al. 2015 PMID: 25741868, with internal and published modifications).